The following is an entry in ClinVar:

NM_017780.4(CHD7):c.1794_1805del (p.Lys599_Lys602del)

Genes: CHD7 (chromodomain helicase DNA binding protein 7; plus strand), LOC126860403 (CDK7 strongly-dependent group 2 enhancer GRCh37_chr8:61693034-61694233; plus strand). Cytogenetic location: 8q12.2.
Variant type: Deletion.
Coding change: c.1794_1805del on transcript NM_017780.4 (MANE Select); coding-DNA positions 1794 to 1805, 12 bases deleted (GAAGAAAAAGAA).
Protein change: p.Lys599_Lys602del.
Molecular consequence: inframe deletion. On other transcripts: intron variant (1).
Genome position (GRCh38, 1-based): chr8:60,781,128-60,781,139, GAAGAAAAAGAA deleted; deleting any 12 consecutive bases within chr8:60,781,121-60,781,139 gives the same sequence; the c. name uses the placement nearest the transcript's 3' end. VCF-style (leftmost placement, unchanged base first): chr8-60781120-CAAAAGAAGAAGA-C. GRCh37 (hg19) VCF-style: chr8-61693679-CAAAAGAAGAAGA-C.
Other names: c.1716+78_1716+89del (NM_001316690.1).
Identifiers: ClinVar variation 4745460 (VCV004745460.1).

ClinVar aggregate classification (germline): Uncertain significance (1 of 4 stars; one submission).

Conditions:
CHARGE syndrome (CHARGE). Also called: Hittner Hirsch Kreh syndrome; CHARGE ASSOCIATION--COLOBOMA, HEART ANOMALY, CHOANAL ATRESIA, RETARDATION, GENITAL AND EAR ANOMALIES; Coloboma, heart anomaly, choanal atresia, retardation, genital and ear anomalies; CHARGE association; Hall-Hittner syndrome. Identifiers: Orphanet 138, MedGen C0265354, MONDO:0008965.

Submission:

Labcorp Genetics (formerly Invitae), Labcorp
Classification: Uncertain significance for CHARGE syndrome. Last evaluated: 2025-12-24. Review status: criteria provided, single submitter. Criteria: Invitae Variant Classification Sherloc (09022015). Collection method: clinical testing. Allele origin: germline.
Comment: This variant, c.1794_1805del, results in the deletion of 4 amino acid(s) of the CHD7 protein (p.Lys599_Lys602del), but otherwise preserves the integrity of the reading frame. This variant is not present in population databases (gnomAD no frequency). This variant has not been reported in the literature in individuals affected with CHD7-related conditions. In summary, the available evidence is currently insufficient to determine the role of this variant in disease. Therefore, it has been classified as a Variant of Uncertain Significance.